The following is an entry in ClinVar:

NM_017841.4(SDHAF2):c.260+12G>A

Gene: SDHAF2 (succinate dehydrogenase complex assembly factor 2; plus strand). Cytogenetic location: 11q12.2.
Variant type: single nucleotide variant.
Coding change: c.260+12G>A on transcript NM_017841.4 (MANE Select); 12 bases into the intron after coding-DNA position 260, G replaced by A.
Molecular consequence: intron variant.
Genome position (GRCh38, 1-based): chr11:61,437,860, G>A. VCF-style: chr11-61437860-G-A. GRCh37 (hg19) VCF-style: chr11-61205332-G-A.
Identifiers: ClinVar variation 513274 (VCV000513274.13), dbSNP rs371469299, ClinGen allele CA058125.

ClinVar aggregate classification (germline): Benign/Likely benign. Review status: criteria provided, multiple submitters, no conflicts (2 of 4 stars). 4 submissions from 4 submitters: Benign (1); Likely benign (3). Last evaluated 2026-02-02.

Conditions:
Hereditary pheochromocytoma and paraganglioma. Also called: Hereditary Paraganglioma-Pheochromocytoma Syndromes; Hereditary pheochromocytoma-paraganglioma; Hereditary paragangliomas and pheochromocytomas. Identifiers: Orphanet 29072, MedGen C4274332, MONDO:0017366.

Allele frequency attached by ClinVar (database versions not stated): TOPMed 0.00109; gnomAD exomes 0.00008 and 0.00025; 1000 Genomes Project 0.00020; ExAC 0.00020; 1000 Genomes Project 30x 0.00031; gnomAD 0.00102 and 0.00108; ESP Exome Variant Server 0.00108.
gnomAD v4.1: 288 of 1,610,406 alleles (0.018%); highest among the groups gnomAD compares: African/African-American, 0.31%; no homozygotes.

Submissions (4):

Labcorp Genetics (formerly Invitae), Labcorp
Classification: Benign for Hereditary pheochromocytoma and paraganglioma. Last evaluated: 2026-02-02. Review status: criteria provided, single submitter. Criteria: Invitae Variant Classification Sherloc (09022015). Collection method: clinical testing. Allele origin: germline.

Blueprint Genetics
Classification: Likely benign. Last evaluated: 2024-11-06. Review status: criteria provided, single submitter. Criteria: ACMG Guidelines, 2015. Collection method: clinical testing. Allele origin: germline.

Genetic Services Laboratory, University of Chicago
Classification: Likely benign. Last evaluated: 2020-02-27. Review status: criteria provided, single submitter. Criteria: ACMG Guidelines, 2015. Collection method: clinical testing. Allele origin: germline. Affected: no.

GeneDx
Classification: Likely benign. Last evaluated: 2017-11-24. Review status: criteria provided, single submitter. Criteria: GeneDx Variant Classification (06012015). Collection method: clinical testing. Allele origin: germline. Affected: yes.
Comment: This variant is considered likely benign or benign based on one or more of the following criteria: it is a conservative change, it occurs at a poorly conserved position in the protein, it is predicted to be benign by multiple in silico algorithms, and/or has population frequency not consistent with disease.